The following is an entry in ClinVar:

ClinVar aggregate classification (germline): Uncertain significance (1 of 4 stars; one submission).

Allele frequency attached by ClinVar (database versions not stated): gnomAD 0.00002; TOPMed 0.00002.

Submission:

GeneDx
Classification: Uncertain significance. Last evaluated: 2022-04-06. Review status: criteria provided, single submitter. Criteria: GeneDx Variant Classification Process June 2021. Collection method: clinical testing. Allele origin: germline. Affected: yes.
Comment: Not observed at significant frequency in large population cohorts (gnomAD); In silico analysis supports that this missense variant does not alter protein structure/function; Has not been previously published as pathogenic or benign to our knowledge

NM_001374828.1(ARID1B):c.3079G>A (p.Ala1027Thr)

Gene: ARID1B (AT-rich interaction domain 1B; plus strand). Cytogenetic location: 6q25.3.
Variant type: single nucleotide variant.
Coding change: c.3079G>A on transcript NM_001374828.1 (MANE Select); coding-DNA position 3079, G replaced by A.
Protein change: p.Ala1027Thr; replaces alanine 1027 with threonine.
Molecular consequence: missense variant.
Genome position (GRCh38, 1-based): chr6:157,148,941, G>A. VCF-style: chr6-157148941-G-A. GRCh37 (hg19) VCF-style: chr6-157470075-G-A.
Other names: c.2830G>A, p.Ala944Thr (NM_001346813.1); c.580G>A, p.Ala194Thr (NM_001363725.2); c.3118G>A, p.Ala1040Thr (NM_001371656.1, NM_001374820.1); c.3079G>A, p.Ala1027Thr (NM_017519.3); c.2869G>A, p.Ala957Thr (NM_020732.3); c.2656G>A, p.Ala886Thr (NM_175863.2); short protein forms A1027T, A1040T, A194T, A886T, A944T, A957T.
Identifiers: ClinVar variation 1708671 (VCV001708671.2), dbSNP rs867382018, ClinGen allele CA150846257.